The following is an entry in ClinVar:

NM_203447.4(DOCK8):c.5794A>G (p.Ile1932Val)

Gene: DOCK8 (dedicator of cytokinesis 8; plus strand). Cytogenetic location: 9p24.3.
Variant type: single nucleotide variant.
Coding change: c.5794A>G on transcript NM_203447.4 (MANE Select); coding-DNA position 5794, A replaced by G.
Protein change: p.Ile1932Val; replaces isoleucine 1932 with valine.
Molecular consequence: missense variant.
Genome position (GRCh38, 1-based): chr9:446,583, A>G. VCF-style: chr9-446583-A-G. GRCh37 (hg19) VCF-style: chr9-446583-A-G.
Other names: c.5494A>G, p.Ile1832Val (NM_001190458.2); c.5590A>G, p.Ile1864Val (NM_001193536.2); short protein forms I1864V, I1832V, I1932V.
Identifiers: ClinVar variation 2013902 (VCV002013902.4), dbSNP rs2537471368, ClinGen allele CA372769227.

ClinVar aggregate classification (germline): Uncertain significance (1 of 4 stars; one submission).

Conditions:
Combined immunodeficiency due to DOCK8 deficiency (HIES2). Also called: DOCK8 Deficiency; HIES autosomal recessive; Hyper-IgE recurrent infection syndrome, autosomal recessive; HYPER-IgE RECURRENT INFECTION SYNDROME 2, AUTOSOMAL RECESSIVE; HYPER-IgE SYNDROME 2, AUTOSOMAL RECESSIVE, WITH RECURRENT INFECTIONS. Identifiers: Orphanet 217390, MedGen C4722305, MONDO:0009478, OMIM 243700.

gnomAD v4.1: 1 of 1,614,218 alleles (0.000062%); highest among the groups gnomAD compares: Non-Finnish European, 0.000085%; no homozygotes.

Submission:

Labcorp Genetics (formerly Invitae), Labcorp
Classification: Uncertain significance for Combined immunodeficiency due to DOCK8 deficiency. Last evaluated: 2022-02-06. Review status: criteria provided, single submitter. Criteria: Invitae Variant Classification Sherloc (09022015). Collection method: clinical testing. Allele origin: germline.
Comment: This sequence change replaces isoleucine, which is neutral and non-polar, with valine, which is neutral and non-polar, at codon 1932 of the DOCK8 protein (p.Ile1932Val). This variant is not present in population databases (gnomAD no frequency). This variant has not been reported in the literature in individuals affected with DOCK8-related conditions. Algorithms developed to predict the effect of missense changes on protein structure and function (SIFT, PolyPhen-2, Align-GVGD) all suggest that this variant is likely to be tolerated. Algorithms developed to predict the effect of sequence changes on RNA splicing suggest that this variant may create or strengthen a splice site. In summary, the available evidence is currently insufficient to determine the role of this variant in disease. Therefore, it has been classified as a Variant of Uncertain Significance.